The following is an entry in ClinVar:

ClinVar aggregate classification (germline): Benign. Review status: criteria provided, single submitter (1 of 4 stars). 2 submissions from 1 submitter: Benign (2). Last evaluated 2018-01-13.

Conditions:
Hereditary motor and sensory neuropathy with optic atrophy. Also called: PERIPHERAL NEUROPATHY AND OPTIC ATROPHY; CHARCOT-MARIE-TOOTH DISEASE, TYPE 6. Identifiers: Orphanet 90120, MedGen C0393807, MONDO:0019551.
Charcot-Marie-Tooth disease type 2. Also called: Charcot-Marie-Tooth type 2. Identifiers: Orphanet 64746, MedGen C0270914, MONDO:0018993.

Allele frequency attached by ClinVar (database versions not stated): 1000 Genomes Project 0.02356; 1000 Genomes Project 30x 0.02452; gnomAD 0.02157 and 0.02302; TOPMed 0.02400.

Submissions (2):

Illumina Laboratory Services, Illumina
Classification: Benign for Charcot-Marie-Tooth disease, type 2. Last evaluated: 2018-01-13. Review status: criteria provided, single submitter. Criteria: ICSL Variant Classification Criteria 13 December 2019. Collection method: clinical testing. Allele origin: germline.
Comment: This variant was observed in the ICSL laboratory as part of a predisposition screen in an ostensibly healthy population. It had not been previously curated by ICSL or reported in the Human Gene Mutation Database (HGMD: prior to June 1st, 2018), and was therefore a candidate for classification through an automated scoring system. Utilizing variant allele frequency, disease prevalence and penetrance estimates, and inheritance mode, an automated score was calculated to assess if this variant is too frequent to cause the disease. Based on the score and internal cut-off values, a variant classified as benign is not then subjected to further curation. The score for this variant resulted in a classification of benign for this disease.

Illumina Laboratory Services, Illumina
Classification: Benign for Neuropathy, hereditary motor and sensory, type 6A. Last evaluated: 2018-01-13. Review status: criteria provided, single submitter. Criteria: ICSL Variant Classification Criteria 13 December 2019. Collection method: clinical testing. Allele origin: germline.
Comment: the same text as in the submission from Illumina Laboratory Services, Illumina above.

NM_014874.4(MFN2):c.*1161C>A

Gene: MFN2 (mitofusin 2; plus strand). Cytogenetic location: 1p36.22.
Variant type: single nucleotide variant.
Coding change: c.*1161C>A on transcript NM_014874.4 (MANE Select); 1161 bases downstream of the stop codon, C replaced by A.
Molecular consequence: 3 prime UTR variant.
Genome position (GRCh38, 1-based): chr1:12,012,726, C>A. VCF-style: chr1-12012726-C-A. GRCh37 (hg19) VCF-style: chr1-12072783-C-A.
Other names: c.*1161C>A (NM_001127660.2).
Identifiers: ClinVar variation 292400 (VCV000292400.5), dbSNP rs115706485, ClinGen allele CA10607992.
Genomic context (GRCh38, chr1:12,012,726, plus strand): 5'-ATGTGGAAAACCCAGTGTCCATCTTTCCACCCTCCCTGATCTCCAGAACCTTCGACTGAC[C>A]CCCTTGTCTTTATGCTGATGTTGAGTTTTGGGATTGTTACTGGTTGAAGTGGGGGCAGAT-3'